The following is an entry in ClinVar:

NM_002838.5(PTPRC):c.3736A>C (p.Ile1246Leu)

Gene: PTPRC (protein tyrosine phosphatase receptor type C; plus strand). Cytogenetic location: 1q32.1.
Variant type: single nucleotide variant.
Coding change: c.3736A>C on transcript NM_002838.5 (MANE Select); coding-DNA position 3736, A replaced by C.
Protein change: p.Ile1246Leu; replaces isoleucine 1246 with leucine.
Molecular consequence: missense variant.
Genome position (GRCh38, 1-based): chr1:198,755,996, A>C. VCF-style: chr1-198755996-A-C. GRCh37 (hg19) VCF-style: chr1-198725125-A-C.
Other names: c.3253A>C, p.Ile1085Leu (NM_080921.4); short protein forms I1085L, I1246L.
Identifiers: ClinVar variation 1034809 (VCV001034809.7), dbSNP rs1655632255, ClinGen allele CA344056047.

ClinVar aggregate classification (germline): Uncertain significance (1 of 4 stars; one submission).

Conditions:
Immunodeficiency 104. Also called: IMMUNODEFICIENCY 104, SEVERE COMBINED; SCID, AUTOSOMAL RECESSIVE, T CELL-NEGATIVE, B CELL-POSITIVE, NK CELL-POSITIVE; Severe Combined Immune Deficiency, Autosomal Recessive, TCell -Negative, B Cell-Positive, NK Cell-Positive, IL7R-Related; Severe combined immunodeficiency, autosomal recessive, T cell-negative, B cell-positive, NK cell-positive. Identifiers: MedGen C5676890, MONDO:0012163, OMIM 608971.

Allele frequency attached by ClinVar (database versions not stated): gnomAD exomes below 0.00001.
gnomAD v4.1: 3 of 1,613,370 alleles (0.00019%); highest among the groups gnomAD compares: African/African-American, 0.004%; no homozygotes.

Submission:

Labcorp Genetics (formerly Invitae), Labcorp
Classification: Uncertain significance for Immunodeficiency 104. Last evaluated: 2024-03-04. Review status: criteria provided, single submitter. Criteria: Invitae Variant Classification Sherloc (09022015). Collection method: clinical testing. Allele origin: germline.
Comment: This sequence change replaces isoleucine, which is neutral and non-polar, with leucine, which is neutral and non-polar, at codon 1246 of the PTPRC protein (p.Ile1246Leu). This variant is not present in population databases (gnomAD no frequency). This variant has not been reported in the literature in individuals affected with PTPRC-related conditions. ClinVar contains an entry for this variant (Variation ID: 1034809). An algorithm developed to predict the effect of missense changes on protein structure and function (PolyPhen-2) suggests that this variant is likely to be tolerated. In summary, the available evidence is currently insufficient to determine the role of this variant in disease. Therefore, it has been classified as a Variant of Uncertain Significance.